The following is an entry in ClinVar:

NM_024649.5(BBS1):c.914G>A (p.Gly305Asp)

Genes: BBS1 (Bardet-Biedl syndrome 1; plus strand), ZDHHC24 (zDHHC palmitoyltransferase 24; minus strand). Cytogenetic location: 11q13.2.
Variant type: single nucleotide variant.
Coding change: c.914G>A on transcript NM_024649.5 (MANE Select); coding-DNA position 914, G replaced by A.
Protein change: p.Gly305Asp; replaces glycine 305 with aspartic acid.
Molecular consequence: missense variant. On other transcripts: intron variant (1).
Genome position (GRCh38, 1-based): chr11:66,523,539, G>A. VCF-style: chr11-66523539-G-A. GRCh37 (hg19) VCF-style: chr11-66291010-G-A.
Other names: c.*22-2073C>T (NM_001348571.2); short protein forms G305D.
Identifiers: ClinVar variation 4853916 (VCV004853916.1).

ClinVar aggregate classification (germline): Uncertain significance (1 of 4 stars; one submission).

Conditions:
Bardet-Biedl syndrome 1 (BBS1). Identifiers: MedGen C2936862, MONDO:0008854, OMIM 209900. Disease mechanism: loss of function.

gnomAD v4.1: 1 of 1,614,118 alleles (0.000062%); highest among the groups gnomAD compares: Non-Finnish European, 0.000085%; no homozygotes.

Submission:

3billion
Classification: Uncertain significance for Bardet-Biedl syndrome 1. Last evaluated: 2025-11-19. Review status: criteria provided, single submitter. Criteria: ACMG Guidelines, 2015. Collection method: clinical testing. Allele origin: germline. Affected: yes.
Comment: The variant is observed at an extremely low frequency in the gnomAD v4.1.0 dataset (total allele frequency: <0.001%). Predicted Consequence/Location: Missense variant. The majority of the known disease-causing variants of this gene are variants expected to result in premature termination of the protein. In silico tool predictions suggest damaging effect of the variant on gene or gene product [REVEL: 0.55 (>=0.6, sensitivity 0.68 and specificity 0.92); 3Cnet: 0.99 (> 0.75, sensitivity 0.96 and precision 0.92)]. A different missense change at the same codon (p.Gly305Ser) has been reported as pathogenic/likely pathogenic with strong evidence (ClinVar ID: VCV002572077 /PMID: 12677556). Therefore, this variant is classified as VUS according to the recommendation of ACMG/AMP guideline.

Literature cited by the submitters: PubMed 12677556.